The following is an entry in ClinVar:

NM_144705.4(TEKT4):c.320G>A (p.Arg107His)

Genes: TEKT4 (tektin 4; plus strand), LOC442028 (uncharacterized LOC442028; minus strand). Cytogenetic location: 2q11.1.
Variant type: single nucleotide variant.
Coding change: c.320G>A on transcript NM_144705.4 (MANE Select); coding-DNA position 320, G replaced by A.
Protein change: p.Arg107His; replaces arginine 107 with histidine.
Molecular consequence: missense variant. On other transcripts: 5 prime UTR variant (1).
Genome position (GRCh38, 1-based): chr2:94,871,899, G>A. VCF-style: chr2-94871899-G-A. GRCh37 (hg19) VCF-style: chr2-95537644-G-A.
Other names: c.-930G>A (NM_001286559.2); short protein forms R107H.
Identifiers: ClinVar variation 2651115 (VCV002651115.24), dbSNP rs74673300, ClinGen allele CA1769095.
Genomic context (GRCh38, chr2:94,871,899, plus strand): 5'-CCACGCGCACAGTGGGCGAGCGACTGCAGGACACGCACAGCTGGAAGTCGGAGCTGCAGC[G>A]TGAGATGGAGGCGCTGGCTGCGGAGACCAACTTGCTCCTGGCCCAGAAGCAACGGCTGGA-3'
Protein context (NP_653306.1, residues 97-117): DTHSWKSELQ[Arg107His]EMEALAAETN

ClinVar aggregate classification (germline): Likely benign (1 of 4 stars; one submission).

Allele frequency attached by ClinVar (database versions not stated): 1000 Genomes Project 0.00319; 1000 Genomes Project 30x 0.00328; ESP Exome Variant Server 0.00455; TOPMed 0.00471; gnomAD 0.00515; ExAC 0.00721.
gnomAD v4.1: 12,124 of 1,597,490 alleles (0.76%); highest among the groups gnomAD compares: Non-Finnish European, 0.88%; 74 homozygotes.

Submission:

CeGaT Center for Human Genetics Tuebingen
Classification: Likely benign. Last evaluated: 2022-07-01. Review status: criteria provided, single submitter. Criteria: CeGaT Center For Human Genetics Tuebingen Variant Classification Criteria Version 2. Collection method: clinical testing. Allele origin: germline. Affected: yes. Observed: 1 variant allele.
Comment: TEKT4: BS2